The following is an entry in ClinVar:

ClinVar aggregate classification (germline): Benign. Review status: criteria provided, multiple submitters, no conflicts (2 of 4 stars). 2 submissions from 2 submitters: Benign (2). Last evaluated 2018-01-13.

Conditions:
Stuve-Wiedemann syndrome (STWS). Also called: Stüve-Wiedemann syndrome. Identifiers: Orphanet 3206, MedGen C0796176, MONDO:0031280.

Allele frequency attached by ClinVar (database versions not stated): gnomAD exomes 0.00133; 1000 Genomes Project 0.01098; 1000 Genomes Project 30x 0.01124.
gnomAD v4.1: 1,112 of 207,162 alleles (0.54%); highest among the groups gnomAD compares: African/African-American, 2.4%; 16 homozygotes.

Submissions (2):

Illumina Laboratory Services, Illumina
Classification: Benign for Stüve-Wiedemann syndrome 1. Last evaluated: 2018-01-13. Review status: criteria provided, single submitter. Criteria: ICSL Variant Classification Criteria 13 December 2019. Collection method: clinical testing. Allele origin: germline.
Comment: This variant was observed in the ICSL laboratory as part of a predisposition screen in an ostensibly healthy population. It had not been previously curated by ICSL or reported in the Human Gene Mutation Database (HGMD: prior to June 1st, 2018), and was therefore a candidate for classification through an automated scoring system. Utilizing variant allele frequency, disease prevalence and penetrance estimates, and inheritance mode, an automated score was calculated to assess if this variant is too frequent to cause the disease. Based on the score and internal cut-off values, a variant classified as benign is not then subjected to further curation. The score for this variant resulted in a classification of benign for this disease.

Breakthrough Genomics
Classification: Benign. Review status: criteria provided, single submitter. Criteria: ACMG Guidelines, 2015. Collection method: not provided. Allele origin: germline. Inheritance: Autosomal recessive inheritance. Affected: yes.

NM_001127671.2(LIFR):c.*3330C>A

Gene: LIFR (LIF receptor subunit alpha; minus strand). Cytogenetic location: 5p13.1.
Variant type: single nucleotide variant.
Coding change: c.*3330C>A on transcript NM_001127671.2 (MANE Select); 3330 bases downstream of the stop codon, C replaced by A.
Molecular consequence: 3 prime UTR variant.
Genome position (GRCh38, 1-based): chr5:38,478,265, G>T on the plus strand (C>A on the coding strand, the complement: LIFR is on the minus strand). VCF-style: chr5-38478265-G-T. GRCh37 (hg19) VCF-style: chr5-38478367-G-T.
Other names: c.*3330C>A (NM_001364297.2, NM_001364298.2, NM_002310.6).
Identifiers: ClinVar variation 906270 (VCV000906270.5), dbSNP rs148827994, ClinGen allele CA117131852.
Genomic context (GRCh38, chr5:38,478,265, plus strand): 5'-AACAAGAATACAATATGCATGAAGTTTTGAAAATGTGACTTTTTACCACAGTTTCTGAGA[G>T]TGTAATAGTACTAAATGTTCTAAATGTAATCTTTCAGATCCACGAGCGGTGAAAGTAATG-3'